The following is an entry in ClinVar:

NM_001131016.2(CIZ1):c.200C>T (p.Pro67Leu)

Gene: CIZ1 (CDKN1A interacting zinc finger protein 1; minus strand). Cytogenetic location: 9q34.11.
Variant type: single nucleotide variant.
Coding change: c.200C>T on transcript NM_001131016.2 (MANE Select); coding-DNA position 200, C replaced by T.
Protein change: p.Pro67Leu; replaces proline 67 with leucine.
Molecular consequence: missense variant. On other transcripts: intron variant (1).
Genome position (GRCh38, 1-based): chr9:128,190,415, G>A on the plus strand (C>T on the coding strand, the complement: CIZ1 is on the minus strand). VCF-style: chr9-128190415-G-A. GRCh37 (hg19) VCF-style: chr9-130952694-G-A.
Other names: c.200C>T, p.Pro67Leu (NM_001131015.2, NM_001131017.2, NM_001131018.2 and 1 more transcripts); c.290C>T, p.Pro97Leu (NM_001257975.2); c.-18+273C>T (NM_001257976.2); short protein forms P97L, P67L.
Identifiers: ClinVar variation 2733625 (VCV002733625.3), dbSNP rs754116181, ClinGen allele CA5257651.

ClinVar aggregate classification (germline): Uncertain significance (1 of 4 stars; one submission).

Conditions:
Dystonic disorder. Also called: Dystonia. Identifiers: MedGen C0013421, MONDO:0003441, HP:0001332.

Allele frequency attached by ClinVar (database versions not stated): TOPMed 0.00001; gnomAD exomes 0.00003; ExAC 0.00007; gnomAD 0.00007.

Submission:

Labcorp Genetics (formerly Invitae), Labcorp
Classification: Uncertain significance for Dystonic disorder. Last evaluated: 2024-10-23. Review status: criteria provided, single submitter. Criteria: Invitae Variant Classification Sherloc (09022015). Collection method: clinical testing. Allele origin: germline.
Comment: This sequence change replaces proline, which is neutral and non-polar, with leucine, which is neutral and non-polar, at codon 67 of the CIZ1 protein (p.Pro67Leu). This variant is present in population databases (rs754116181, gnomAD 0.06%), and has an allele count higher than expected for a pathogenic variant. This variant has not been reported in the literature in individuals affected with CIZ1-related conditions. An algorithm developed to predict the effect of missense changes on protein structure and function (PolyPhen-2) suggests that this variant is likely to be tolerated. In summary, the available evidence is currently insufficient to determine the role of this variant in disease. Therefore, it has been classified as a Variant of Uncertain Significance.